The following is an entry in ClinVar:

ClinVar aggregate classification (germline): Pathogenic/Likely pathogenic. Review status: criteria provided, multiple submitters, no conflicts (2 of 4 stars). 14 submissions from 14 submitters: Pathogenic (5); Likely pathogenic (8). 1 of the submissions does not count toward it. Last evaluated 2026-08-01.

Conditions:
Inborn genetic diseases. Identifiers: MedGen C0950123, MeSH D030342.
Polycystic kidney disease, adult type (PKD1). Also called: POLYCYSTIC KIDNEY DISEASE 1 WITH OR WITHOUT POLYCYSTIC LIVER DISEASE; Polycystic Kidney Disease 1, Autosomal Dominant; Polycystic kidney disease 1; Polycystic kidney disease 1, severe; POLYCYSTIC KIDNEY DISEASE, ADULT, TYPE I; Polycystic Kidney, Autosomal Dominant. Identifiers: MedGen C3149841, MONDO:0008263, OMIM 173900.
PKD1-related disorder. Also called: PKD1-related condition.
Polycystic kidney disease. Also called: Kidney, Polycystic; Polycystic kidney dysplasia. Identifiers: MedGen C0022680, MeSH D007690, MONDO:0020642, HP:0000113.

Submissions (14):

CeGaT Center for Human Genetics Tuebingen
Classification: Pathogenic. Last evaluated: 2026-08-01. Review status: criteria provided, single submitter. Criteria: CeGaT Center For Human Genetics Tuebingen Variant Classification Criteria Version 2. Collection method: clinical testing. Allele origin: germline. Affected: yes. Observed: 3 variant alleles.
Comment: PKD1: PS4, PM1, PM2, PM4:Supporting, PP4

PreventionGenetics, part of Exact Sciences
Classification: Pathogenic for PKD1-related condition. Last evaluated: 2026-05-06. Review status: criteria provided, single submitter. Criteria: ACMG Guidelines, 2015. Collection method: clinical testing. Allele origin: germline.
Comment: The PKD1 c.3719_3721delACA variant is predicted to result in an in-frame deletion (p.Asn1240del). This variant has been reported in individuals with autosomal dominant polycystic kidney disease (ADPKD) (Rossetti et al. 2003. PubMed ID: 12842373; Supplementary Table 3, Benson et al. 2021. PubMed ID: 33454723; Table S1, Elhassan et al. 2024. PubMed ID: 38481516; Table S1, Kimura et al. 2023. PubMed ID: 37509056). Of note, we have previously found this variant in the heterozygous state in multiple presumably unrelated patients tested for PKD at PreventionGenetics (internal data). In-frame small deletions in the PKD1 gene have been commonly found to be pathogenic for ADPKD. This variant has not been reported in a large population database (gnomAD), indicating this variant is rare. This variant is interpreted as pathogenic.

Victorian Clinical Genetics Services, Murdoch Childrens Research Institute
Classification: Pathogenic for Polycystic kidney disease, adult type. Last evaluated: 2026-01-23. Review status: criteria provided, single submitter. Criteria: ACMG Guidelines, 2015. Collection method: clinical testing. Allele origin: germline. Affected: yes.
Comment: This variant is classified as Pathogenic. Evidence in support of pathogenic classification: In-frame deletion in a non-repetitive region that has low conservation; Variant is present in gnomAD (v4) <0.001 for a dominant condition (3 heterozygotes, 0 homozygotes) However, all three alleles are filtered out due to a quality metric failure; This variant has strong previous evidence of pathogenicity in unrelated individuals. This variant has been classified as pathogenic and likely pathogenic by multiple clinical laboratories (ClinVar). This variant has also been reported in the literature in unrelated individuals with ADPKD (PMIDs: 12842373, 30819518). Additional information: This variant is heterozygous; This gene is associated with autosomal dominant disease. Polycystic kidney disease 1 (MIM#173900) is predominantly caused by monoallelic variants, with rare reports of biallelic variants causing disease (OMIM); No published functional evidence has been identified for this variant; Variant is located in the annotated PKD domain and this residue is a N-linked Glycosylation site (DECIPHER); Loss of function is a known mechanism of disease in this gene and is associated with polycystic kidney disease 1 (MIM#173900); Inheritance information for this variant is not currently available in this individual.

GeneDx
Classification: Likely pathogenic. Last evaluated: 2025-11-13. Review status: criteria provided, single submitter. Criteria: GeneDx Variant Classification Process June 2021. Collection method: clinical testing. Allele origin: germline. Affected: yes.
Comment: In-frame deletion of 1 amino acid in a non-repeat region; Not observed at significant frequency in large population cohorts (gnomAD); In silico analysis supports a deleterious effect on protein structure/function; This variant is associated with the following publications: (PMID: 22508176, 33454723, 30819518, 12842373, 38481516, 40282368, 37509056)

Variantyx, Inc.
Classification: Likely pathogenic for Polycystic kidney disease, adult type. Last evaluated: 2025-07-20. Review status: criteria provided, single submitter. Criteria: Variantyx Assertion Criteria 2022. Collection method: clinical testing. Allele origin: germline. Inheritance: Autosomal dominant inheritance. Affected: yes.
Comment: This is an in-frame deletion variant in the PKD1 gene (OMIM: 601313). Pathogenic variants in this gene have been associated with autosomal dominant polycystic kidney disease 1. The clinical symptoms reported for this individual are highly specific for autosomal dominant polycystic kidney disease 1, which has a limited genetic etiology (PMID: 29270497, 12842373, 38481516) (PP4). Thie alteration causes an in-frame deletion of one amino acid at position 1240 of the PKD1 protein (PM4). It has been reported in at least 3 unrelated affected individuals (PMID: 12842373, 38481516) (PS4_Moderate), and it has a 0.0003% maximum allele frequency in non-founder control populations (PM2). Based on the current evidence, this variant is classified as likely pathogenic for autosomal dominant polycystic kidney disease 1.

Equipe Genetique des Anomalies du Developpement, Université de Bourgogne
Classification: Pathogenic for Polycystic kidney disease, adult type. Last evaluated: 2025-05-21. Review status: criteria provided, single submitter. Criteria: ACMG Guidelines, 2015. Collection method: clinical testing. Allele origin: paternal. Affected: yes.
Comment: This is an in-frame, heterozygous 3-base pair deletion NM_001009944.3:c.3719_3721del p.(Asn1240del) in the gene PKD1 (chr16:g.2161450_2161452del, NC_000016.9:g.2161450_2161452del). This variant is present three times in the heterozygous state in the database gnomAD (v4.1.0). Monoallelic pathogenic variants in PKD1 are responsible for autosomal dominant polycystic kidney disease (OMIM #173900). This recurrent variant has been reported as pathogenic in ClinVar and LOVD and described in several individuals affected with polycystic kidney disease (PMID: 30819518). According to current evidence, this variant is considered pathogenic (class 5, according to ACMG criteria).

Ambry Genetics
Classification: Likely pathogenic for Inborn genetic diseases. Last evaluated: 2024-09-17. Review status: criteria provided, single submitter. Criteria: Ambry Variant Classification Scheme 2023. Collection method: clinical testing. Allele origin: germline.
Comment: The c.3719_3721delACA (p.N1240del) alteration is located in exon 15 (coding exon 15) of the PKD1 gene. This alteration consists of an in-frame deletion of 3 nucleotides between nucleotide positions c.3719 and c.3721, resulting in the deletion of 1 residue. This variant was not reported in population-based cohorts in the Genome Aggregation Database (gnomAD). This variant was reported in multiple individuals who met clinical criteria for polycystic kidney disease (Rossetti, 2003; Audr&eacute;zet, 2012; Chebib, 2017). This alteration is predicted to be deleterious by in silico analysis (Choi, 2012). Based on the available evidence, this alteration is classified as likely pathogenic.

Fulgent Genetics
Classification: Likely pathogenic for Polycystic kidney disease, adult type. Last evaluated: 2024-04-09. Review status: criteria provided, single submitter. Criteria: ACMG Guidelines, 2015. Collection method: clinical testing. Allele origin: germline.

Clinical Genomics Laboratory, Stanford Medicine
Classification: Likely pathogenic for Polycystic kidney disease, adult type. Last evaluated: 2022-11-11. Review status: criteria provided, single submitter. Criteria: ACMG Guidelines, 2015. Collection method: clinical testing. Allele origin: germline. Inheritance: Autosomal dominant inheritance. Affected: yes. Observed: 1 variant allele, 1 heterozygote.
Comment: The p.Asn1240del variant in the PKD1 gene has been previously reported in at least 7 unrelated individuals with polycystic kidney disease and co-segregated with disease in 3 affected relatives from 2 families (Audrézet et al., 2012; Benson et al., 2021; PKD database; Rossetti et al., 2003). This variant was absent from large population databases, including the Genome Aggregation Database. This variant is present in ClinVar (VCV000586271.37). This variant results in an in-frame deletion of 1 amino acid. These data were assessed using the ACMG/AMP variant interpretation guidelines. In summary, there is sufficient evidence to classify the p.Asn1240del variant as likely pathogenic for polycystic kidney disease in an autosomal dominant manner based on the information above. [ACMG evidence codes used: PS4_moderate; PM2; PM4; PP1]

Blueprint Genetics
Classification: Pathogenic for PKD1-related disorders. Last evaluated: 2021-12-22. Review status: criteria provided, single submitter. Criteria: ACMG Guidelines, 2015. Collection method: clinical testing. Allele origin: germline. Affected: yes. Observed: 3 variant alleles.

Cavalleri Lab, Royal College of Surgeons in Ireland
Classification: Likely pathogenic for Polycystic kidney disease, adult type. Last evaluated: 2020-02-05. Review status: criteria provided, single submitter. Criteria: ACMG Guidelines, 2015. Collection method: research. Allele origin: unknown. Inheritance: Autosomal dominant inheritance. Affected: yes.
Comment: PM2, PM4, PP4, PP5

Athena Diagnostics
Classification: Likely pathogenic. Last evaluated: 2018-06-08. Review status: criteria provided, single submitter. Criteria: Athena Diagnostics Criteria. Collection method: clinical testing. Allele origin: germline.

ARUP Laboratories, Molecular Genetics and Genomics, ARUP Laboratories
Classification: Likely pathogenic. Last evaluated: 2017-09-08. Review status: criteria provided, single submitter. Criteria: ARUP Molecular Germline Variant Investigation Process. Collection method: clinical testing. Allele origin: germline.

Department of Pathology and Laboratory Medicine, Sinai Health System
Classification: Likely pathogenic for Polycystic Kidney disease. Review status: no assertion criteria provided. Collection method: clinical testing. Allele origin: unknown. Affected: yes. Study: The Canadian Open Genetics Repository (COGR). Not counted in ClinVar's aggregate classification.
Comment: The PKD1 p.Asn1240del variant was identified in 3 of 1516 proband chromosomes (frequency: 0.002) from individuals or families with ADPKD (Rossetti 2003, Audrezet 2012). The variant was observed to segregate with disease in a father and son diagnosed with the vascular subtype of ADPKD (Rossetti 2003). The variant was also identified in ClinVar (classified as likely pathogenic by Athena Diagnostics), and the ADPKD Mutation Database (classified as highly likely pathogenic).The variant was not identified in dbSNP, LOVD 3.0, or PKD1-LOVD databases. The variant was not identified in the following control databases: the Exome Aggregation Consortium (August 8th 2016), or the Genome Aggregation Database (Feb 27, 2017). This variant is an in-frame deletion resulting in the removal of an asparagine (Asn) residue at codon 1240; the impact of this alteration on PKD1 protein function is not known. In summary, based on the above information the clinical significance of this variant cannot be determined with certainty at this time although we would lean towards a more pathogenic role for this variant. This variant is classified as likely pathogenic.

Literature cited by the submitters: PubMed 12842373 (cited by 5 submitters); PubMed 30819518 (cited by Victorian Clinical Genetics Services, Murdoch Childrens Research Institute and Equipe Genetique des Anomalies du Developpement, Université de Bourgogne); PubMed 38481516 (cited by Variantyx, Inc.); PubMed 29270497 (cited by Variantyx, Inc. and Ambry Genetics); PubMed 22508176 (cited by 3 submitters); PubMed 33454723 (cited by Clinical Genomics Laboratory, Stanford Medicine).

NM_001009944.3(PKD1):c.3716ACA[1] (p.Asn1240del)

Gene: PKD1 (polycystin 1, transient receptor potential channel interacting; minus strand). Cytogenetic location: 16p13.3.
Variant type: Microsatellite.
Coding change: c.3716ACA[1] on transcript NM_001009944.3 (MANE Select); one copy of the 3-base unit ACA starting at c.3716; the reference has two copies in a row; one copy, 3 bases deleted; also written c.3719_3721del.
Protein change: p.Asn1240del; deletes asparagine 1240.
Molecular consequence: inframe deletion.
Genome position (GRCh38, 1-based): chr16:2,111,446-2,111,448, TGT deleted on the plus strand (ACA on the coding strand, the reverse complement: PKD1 is on the minus strand); deleting any 3 consecutive bases within chr16:2,111,446-2,111,451 gives the same sequence; the position shown is the placement nearest the transcript's 3' end. VCF-style (leftmost placement, unchanged base first): chr16-2111445-ATGT-A. GRCh37 (hg19) VCF-style: chr16-2161446-ATGT-A.
Other names: p.1240_1241del; c.3719_3721delACA (NM_001009944.2, NM_001009944.3); c.3719_3721del (NM_001009944.3); c.3716ACA[1], p.Asn1240del (NM_000296.4); short protein forms N1240del.
Identifiers: ClinVar variation 586271 (VCV000586271.55), dbSNP rs1567202750, ClinGen allele CA891844384.